The following is an entry in ClinVar:

ClinVar aggregate classification (germline): Uncertain significance (1 of 4 stars; one submission).

gnomAD v4.1: 1 of 1,549,080 alleles (0.000065%); highest among the groups gnomAD compares: Non-Finnish European, 0.000087%; no homozygotes.

Submission:

Labcorp Genetics (formerly Invitae), Labcorp
Classification: Uncertain significance. Last evaluated: 2023-06-18. Review status: criteria provided, single submitter. Criteria: Invitae Variant Classification Sherloc (09022015). Collection method: clinical testing. Allele origin: germline.
Comment: In summary, the available evidence is currently insufficient to determine the role of this variant in disease. Therefore, it has been classified as a Variant of Uncertain Significance. An algorithm developed to predict the effect of missense changes on protein structure and function (PolyPhen-2) suggests that this variant is likely to be tolerated. ClinVar contains an entry for this variant (Variation ID: 1943660). This variant has not been reported in the literature in individuals affected with CHD8-related conditions. This variant is not present in population databases (gnomAD no frequency). This sequence change replaces arginine, which is basic and polar, with leucine, which is neutral and non-polar, at codon 2530 of the CHD8 protein (p.Arg2530Leu).

NM_001170629.2(CHD8):c.7589G>T (p.Arg2530Leu)

Gene: CHD8 (chromodomain helicase DNA binding protein 8; minus strand). Cytogenetic location: 14q11.2.
Variant type: single nucleotide variant.
Coding change: c.7589G>T on transcript NM_001170629.2 (MANE Select); coding-DNA position 7589, G replaced by T.
Protein change: p.Arg2530Leu; replaces arginine 2530 with leucine.
Molecular consequence: missense variant.
Genome position (GRCh38, 1-based): chr14:21,385,770, C>A on the plus strand (G>T on the coding strand, the complement: CHD8 is on the minus strand). VCF-style: chr14-21385770-C-A. GRCh37 (hg19) VCF-style: chr14-21853929-C-A.
Other names: c.6752G>T, p.Arg2251Leu (NM_020920.4); short protein forms R2530L, R2251L.
Identifiers: ClinVar variation 1943660 (VCV001943660.5), dbSNP rs1887195372, ClinGen allele CA388874700.